The following is an entry in ClinVar:

ClinVar aggregate classification (germline): Uncertain significance. Review status: criteria provided, multiple submitters, no conflicts (2 of 4 stars). 2 submissions from 2 submitters: Uncertain significance (2). Last evaluated 2025-08-10.

Conditions:
UCP3-related disorder. Also called: UCP3-related condition.

Submissions (2):

Ambry Genetics
Classification: Uncertain significance. Last evaluated: 2025-08-10. Review status: criteria provided, single submitter. Criteria: Ambry Variant Classification Scheme 2023. Collection method: clinical testing. Allele origin: germline.

PreventionGenetics, part of Exact Sciences
Classification: Uncertain significance for UCP3-related condition. Last evaluated: 2025-04-11. Review status: criteria provided, single submitter. Criteria: ACMG Guidelines, 2015. Collection method: clinical testing. Allele origin: germline.
Comment: The UCP3 c.28C>T variant is predicted to result in the amino acid substitution p.Pro10Ser. To our knowledge, this variant has not been reported in the literature. This variant is reported in 0.014% of alleles in individuals of Latino descent in gnomAD. At this time, the clinical significance of this variant is uncertain due to the absence of conclusive functional and genetic evidence.

NM_003356.4(UCP3):c.28C>T (p.Pro10Ser)

Gene: UCP3 (uncoupling protein 3; minus strand). Cytogenetic location: 11q13.4.
Variant type: single nucleotide variant.
Coding change: c.28C>T on transcript NM_003356.4 (MANE Select); coding-DNA position 28, C replaced by T.
Protein change: p.Pro10Ser; replaces proline 10 with serine.
Molecular consequence: missense variant.
Genome position (GRCh38, 1-based): chr11:74,007,015, G>A on the plus strand (C>T on the coding strand, the complement: UCP3 is on the minus strand). VCF-style: chr11-74007015-G-A. GRCh37 (hg19) VCF-style: chr11-73718060-G-A.
Other names: c.28C>T, p.Pro10Ser (NM_022803.3); short protein forms P10S.
Identifiers: ClinVar variation 4195510 (VCV004195510.2).
Genomic context (GRCh38, chr11:74,007,015, plus strand): 5'-CGAGGTCAGCAAAACAGGCTGCTGTGCCTGCCCCCAGGAACTTCACAGCCATGGTGGGAG[G>A]CACGTCTGAAGGCTTCAGTCCAACCATAGTCCTGGAAGGCTCTGCCCAGTCCCTTTAGGG-3'
Protein context (NP_003347.1, residues 1-20): MVGLKPSDV[Pro10Ser]PTMAVKFLGA